The following is an entry in ClinVar:

NM_198947.4(FAM111B):c.816dup (p.Ala273fs)

Gene: FAM111B (FAM111 trypsin like peptidase B; plus strand). Cytogenetic location: 11q12.1.
Variant type: Duplication.
Coding change: c.816dup on transcript NM_198947.4 (MANE Select); coding-DNA position 816, one base duplicated (A; older notation c.816dupA).
Protein change: p.Ala273fs; shifts the reading frame from alanine 273.
Molecular consequence: frameshift variant.
Genome position (GRCh38, 1-based): chr11:59,124,913, A duplicated; the last of 10 consecutive A bases (chr11:59,124,904-59,124,913); duplicating any one gives the same sequence. VCF-style (leftmost placement, unchanged base first): chr11-59124903-C-CA. GRCh37 (hg19) VCF-style: chr11-58892376-C-CA.
Other names: p.Ala273Serfs*9; c.726dup, p.Ala243fs (NM_001142703.2, NM_001142704.2); short protein forms A243fs, A273fs.
Identifiers: ClinVar variation 3060639 (VCV003060639.3), dbSNP rs761176801, ClinGen allele CA6016207.

ClinVar aggregate classification (germline): Benign. Review status: criteria provided, single submitter (1 of 4 stars). 2 submissions from 2 submitters: Benign (1). 1 of the submissions does not count toward it. Last evaluated 2019-01-28.

Conditions:
FAM111B-related disorder. Also called: FAM111B-related condition.

Submissions (2):

Mayo Clinic Laboratories, Mayo Clinic
Classification: Benign. Last evaluated: 2019-01-28. Review status: criteria provided, single submitter. Criteria: ACMG Guidelines, 2015. Collection method: clinical testing. Allele origin: germline. Observed: 2 variant alleles.

PreventionGenetics, part of Exact Sciences
Classification: Benign for FAM111B-related condition. Last evaluated: 2019-09-11. Review status: no assertion criteria provided. Collection method: clinical testing. Allele origin: germline. Not counted in ClinVar's aggregate classification.
Comment: This variant is classified as benign based on ACMG/AMP sequence variant interpretation guidelines (Richards et al. 2015 PMID: 25741868, with internal and published modifications).